The following is an entry in ClinVar:

NM_030665.4(RAI1):c.4985C>T (p.Pro1662Leu)

Gene: RAI1 (retinoic acid induced 1; plus strand). Cytogenetic location: 17p11.2.
Variant type: single nucleotide variant.
Coding change: c.4985C>T on transcript NM_030665.4 (MANE Select); coding-DNA position 4985, C replaced by T.
Protein change: p.Pro1662Leu; replaces proline 1662 with leucine.
Molecular consequence: missense variant.
Genome position (GRCh38, 1-based): chr17:17,797,933, C>T. VCF-style: chr17-17797933-C-T. GRCh37 (hg19) VCF-style: chr17-17701247-C-T.
Other names: short protein forms P1662L.
Identifiers: ClinVar variation 4743604 (VCV004743604.1).

ClinVar aggregate classification (germline): Uncertain significance (1 of 4 stars; one submission).

Submission:

Labcorp Genetics (formerly Invitae), Labcorp
Classification: Uncertain significance. Last evaluated: 2025-12-10. Review status: criteria provided, single submitter. Criteria: Invitae Variant Classification Sherloc (09022015). Collection method: clinical testing. Allele origin: germline.
Comment: This sequence change replaces proline, which is neutral and non-polar, with leucine, which is neutral and non-polar, at codon 1662 of the RAI1 protein (p.Pro1662Leu). This variant is not present in population databases (gnomAD no frequency). This variant has not been reported in the literature in individuals affected with RAI1-related conditions. Invitae Evidence Modeling of protein sequence and biophysical properties (such as structural, functional, and spatial information, amino acid conservation, physicochemical variation, residue mobility, and thermodynamic stability) indicates that this missense variant is not expected to disrupt RAI1 protein function with a negative predictive value of 80%. In summary, the available evidence is currently insufficient to determine the role of this variant in disease. Therefore, it has been classified as a Variant of Uncertain Significance.